The following is an entry in ClinVar:

ClinVar aggregate classification (germline): Uncertain significance (1 of 4 stars; one submission).

Submission:

GeneDx
Classification: Uncertain significance. Last evaluated: 2025-06-01. Review status: criteria provided, single submitter. Criteria: GeneDx Variant Classification Process June 2021. Collection method: clinical testing. Allele origin: germline. Affected: yes.
Comment: Not observed at significant frequency in large population cohorts (gnomAD); In silico analysis supports that this missense variant has a deleterious effect on protein structure/function; Has not been previously published as pathogenic or benign to our knowledge

NM_006796.3(AFG3L2):c.1408G>T (p.Asp470Tyr)

Gene: AFG3L2 (AFG3 like matrix AAA peptidase subunit 2; minus strand). Cytogenetic location: 18p11.21.
Variant type: single nucleotide variant.
Coding change: c.1408G>T on transcript NM_006796.3 (MANE Select); coding-DNA position 1408, G replaced by T.
Protein change: p.Asp470Tyr; replaces aspartic acid 470 with tyrosine.
Molecular consequence: missense variant.
Genome position (GRCh38, 1-based): chr18:12,351,324, C>A on the plus strand (G>T on the coding strand, the complement: AFG3L2 is on the minus strand). VCF-style: chr18-12351324-C-A. GRCh37 (hg19) VCF-style: chr18-12351323-C-A.
Other names: short protein forms D470Y.
Identifiers: ClinVar variation 4532606 (VCV004532606.1).